The following is an entry in ClinVar:

NM_139343.3(BIN1):c.1616T>C (p.Leu539Pro)

Gene: BIN1 (bridging integrator 1; minus strand). Cytogenetic location: 2q14.3.
Variant type: single nucleotide variant.
Coding change: c.1616T>C on transcript NM_139343.3 (MANE Select); coding-DNA position 1616, T replaced by C.
Protein change: p.Leu539Pro; replaces leucine 539 with proline.
Molecular consequence: missense variant.
Genome position (GRCh38, 1-based): chr2:127,050,479, A>G on the plus strand (T>C on the coding strand, the complement: BIN1 is on the minus strand). VCF-style: chr2-127050479-A-G. GRCh37 (hg19) VCF-style: chr2-127808055-A-G.
Other names: c.1109T>C, p.Leu370Pro (NM_001320632.2); c.1247T>C, p.Leu416Pro (NM_001320633.2); c.992T>C, p.Leu331Pro (NM_001320634.1); c.1376T>C, p.Leu459Pro (NM_001320640.2); c.1523T>C, p.Leu508Pro (NM_001320641.2); c.1535T>C, p.Leu512Pro (NM_001320642.1); c.1199T>C, p.Leu400Pro (NM_004305.4); c.1487T>C, p.Leu496Pro (NM_139344.3); and 7 more; short protein forms L385P, L508P, L512P, L539P, L370P, L416P, L428P, L452P.
Identifiers: ClinVar variation 4741370 (VCV004741370.1).

ClinVar aggregate classification (germline): Uncertain significance (1 of 4 stars; one submission).

Conditions:
Myopathy, centronuclear, 2 (CNM2). Also called: MYOTUBULAR MYOPATHY, AUTOSOMAL RECESSIVE. Identifiers: Orphanet 169186, MedGen CN031787, MONDO:0009709, OMIM 255200.

gnomAD v4.1: 1 of 1,614,242 alleles (0.000062%); highest among the groups gnomAD compares: Non-Finnish European, 0.000085%; no homozygotes.

Submission:

Labcorp Genetics (formerly Invitae), Labcorp
Classification: Uncertain significance for Myopathy, centronuclear, 2. Last evaluated: 2025-08-16. Review status: criteria provided, single submitter. Criteria: Invitae Variant Classification Sherloc (09022015). Collection method: clinical testing. Allele origin: germline.
Comment: This sequence change replaces leucine, which is neutral and non-polar, with proline, which is neutral and non-polar, at codon 539 of the BIN1 protein (p.Leu539Pro). This variant is not present in population databases (gnomAD no frequency). This variant has not been reported in the literature in individuals affected with BIN1-related conditions. Invitae Evidence Modeling of protein sequence and biophysical properties (such as structural, functional, and spatial information, amino acid conservation, physicochemical variation, residue mobility, and thermodynamic stability) indicates that this missense variant is expected to disrupt BIN1 protein function with a positive predictive value of 80%. In summary, the available evidence is currently insufficient to determine the role of this variant in disease. Therefore, it has been classified as a Variant of Uncertain Significance.